The following is an entry in ClinVar:

ClinVar aggregate classification (germline): Uncertain significance (1 of 4 stars; one submission).

Conditions:
Malignant hyperthermia, susceptibility to, 5 (MHS5). Also called: CACNA1S-Related Malignant Hyperthermia Susceptibility. Identifiers: Orphanet 423, MedGen C1866077, MONDO:0011163, OMIM 601887.

Submission:

All of Us Research Program, National Institutes of Health
Classification: Uncertain significance for Malignant hyperthermia, susceptibility to, 5. Last evaluated: 2023-06-26. Review status: criteria provided, single submitter. Criteria: ACMG Guidelines, 2015. Collection method: clinical testing. Allele origin: germline. Inheritance: Autosomal dominant inheritance. Observed: 1 variant allele, 1 heterozygote.
Comment: This variant causes a G to C nucleotide substitution at the +5 position of intron 21 of the CACNA1S gene. To our knowledge, functional studies have not been reported for this variant. This variant has not been reported in individuals affected with CACNA1S-related disorders in the literature. This variant has not been identified in the general population by the Genome Aggregation Database (gnomAD). The available evidence is insufficient to determine the role of this variant in disease conclusively. Therefore, this variant is classified as a Variant of Uncertain Significance.

This study involves interpretation of variants in research participants for the purpose of population health screening. Participant phenotype was not available at the time of variant classification. Additional details can be found in publication PMID: 35346344, PMCID: PMC8962531

NM_000069.3(CACNA1S):c.2745+5G>C

Gene: CACNA1S (calcium voltage-gated channel subunit alpha1 S; minus strand). Cytogenetic location: 1q32.1.
Variant type: single nucleotide variant.
Coding change: c.2745+5G>C on transcript NM_000069.3 (MANE Select); 5 bases into the intron after coding-DNA position 2745, G replaced by C.
Molecular consequence: intron variant.
Genome position (GRCh38, 1-based): chr1:201,066,224, C>G on the plus strand (G>C on the coding strand, the complement: CACNA1S is on the minus strand). VCF-style: chr1-201066224-C-G. GRCh37 (hg19) VCF-style: chr1-201035352-C-G.
Identifiers: ClinVar variation 3071853 (VCV003071853.1), dbSNP rs2464520649, ClinGen allele CA2574109144.